The following is an entry in ClinVar:

NM_001004334.4(GPR179):c.2988G>A (p.Glu996=)

Gene: GPR179 (G protein-coupled receptor 179; minus strand). Cytogenetic location: 17q12.
Variant type: single nucleotide variant.
Coding change: c.2988G>A on transcript NM_001004334.4 (MANE Select); coding-DNA position 2988, G replaced by A.
Protein change: p.Glu996=; no amino-acid change (glutamic acid 996 retained).
Molecular consequence: synonymous variant.
Genome position (GRCh38, 1-based): chr17:38,330,581, C>T on the plus strand (G>A on the coding strand, the complement: GPR179 is on the minus strand). VCF-style: chr17-38330581-C-T. GRCh37 (hg19) VCF-style: chr17-36486464-C-T.
Identifiers: ClinVar variation 323004 (VCV000323004.14), dbSNP rs192591837, ClinGen allele CA10649163.

ClinVar aggregate classification (germline): Benign. Review status: criteria provided, multiple submitters, no conflicts (2 of 4 stars). 3 submissions from 3 submitters: Benign (3). Last evaluated 2026-02-02.

Conditions:
Congenital stationary night blindness 1E. Also called: Night blindness, congenital stationary (complete), 1E, autosomal recessive. Identifiers: Orphanet 215, MedGen C3281215, MONDO:0013807, OMIM 614565.

Allele frequency attached by ClinVar (database versions not stated): gnomAD exomes 0.00062 and 0.00208; ExAC 0.00264; ESP Exome Variant Server 0.00739; gnomAD 0.00773 and 0.00838; TOPMed 0.00850; 1000 Genomes Project 30x 0.00953; 1000 Genomes Project 0.00978.

Submissions (3):

Labcorp Genetics (formerly Invitae), Labcorp
Classification: Benign. Last evaluated: 2026-02-02. Review status: criteria provided, single submitter. Criteria: Invitae Variant Classification Sherloc (09022015). Collection method: clinical testing. Allele origin: germline.

Illumina Laboratory Services, Illumina
Classification: Benign for Congenital stationary night blindness 1E. Last evaluated: 2018-01-13. Review status: criteria provided, single submitter. Criteria: ICSL Variant Classification Criteria 13 December 2019. Collection method: clinical testing. Allele origin: germline.
Comment: This variant was observed in the ICSL laboratory as part of a predisposition screen in an ostensibly healthy population. It had not been previously curated by ICSL or reported in the Human Gene Mutation Database (HGMD: prior to June 1st, 2018), and was therefore a candidate for classification through an automated scoring system. Utilizing variant allele frequency, disease prevalence and penetrance estimates, and inheritance mode, an automated score was calculated to assess if this variant is too frequent to cause the disease. Based on the score and internal cut-off values, a variant classified as benign is not then subjected to further curation. The score for this variant resulted in a classification of benign for this disease.

Breakthrough Genomics
Classification: Benign. Review status: criteria provided, single submitter. Criteria: ACMG Guidelines, 2015. Collection method: not provided. Allele origin: germline. Inheritance: Autosomal recessive inheritance. Affected: yes.